The following is an entry in ClinVar:

NM_001875.5(CPS1):c.3031GTG[2] (p.Val1013del)

Gene: CPS1 (carbamoyl-phosphate synthase 1; plus strand). Cytogenetic location: 2q34.
Variant type: Microsatellite.
Coding change: c.3031GTG[2] on transcript NM_001875.5 (MANE Select); two copies in a row of the 3-base unit GTG starting at c.3031; the reference has three copies in a row; one copy, 3 bases deleted.
Protein change: p.Val1013del; deletes valine 1013.
Molecular consequence: inframe deletion. On other transcripts: non-coding transcript variant (2).
Genome position (GRCh38, 1-based): chr2:210,642,561-210,642,563, GTG deleted; deleting any 3 consecutive bases within chr2:210,642,554-210,642,563 gives the same sequence; the position shown is the placement nearest the transcript's 3' end. VCF-style (leftmost placement, unchanged base first): chr2-210642553-CGGT-C. GRCh37 (hg19) VCF-style: chr2-211507277-CGGT-C.
Other names: CPS1, 3-BP DEL, VAL1013DEL; c.3031GTG[2], p.Val1013del (NM_001122633.3, NM_001369257.1); c.3064GTG[2], p.Val1024del (NM_001369256.1); c.3037_3039delGTG (NM_001875.5, NM_001875.4); short protein forms V1013del, V1024del.
Identifiers: ClinVar variation 162525 (VCV000162525.13), dbSNP rs727502824, ClinGen allele CA175109.

ClinVar aggregate classification (germline): Pathogenic/Likely pathogenic. Review status: criteria provided, multiple submitters, no conflicts (2 of 4 stars). 5 submissions from 5 submitters: Pathogenic (3); Likely pathogenic (1). 1 of the submissions does not count toward it. Last evaluated 2026-02-23.

Conditions:
Congenital hyperammonemia, type I. Also called: Carbamoyl phosphate synthetase 1 deficiency; Hyperammonemia due to carbamoyl phosphate synthetase 1 deficiency; CPS 1 deficiency; Carbamyl phosphate synthetase (CPS) deficiency; CPS I DEFICIENCY; Carbamoyl-phosphate synthase I deficiency. Identifiers: Orphanet 147, MedGen C4082171, MONDO:0009376, OMIM 237300.

Submissions (5):

GeneDx
Classification: Pathogenic. Last evaluated: 2026-02-23. Review status: criteria provided, single submitter. Criteria: GeneDx Variant Classification Process June 2021. Collection method: clinical testing. Allele origin: germline.
Comment: Not observed at significant frequency in large population cohorts (gnomAD); In-frame deletion of 1 amino acid(s) in a non-repeat region; In silico analysis supports a deleterious effect on protein structure/function; This variant is associated with the following publications: (PMID: 34426522, 33309754, 40710547, 25410056, 12655559, 22575620, 32154057)

Natera, Inc.
Classification: Likely pathogenic for Carbamoyl-phosphate synthase I deficiency. Last evaluated: 2024-12-21. Review status: criteria provided, single submitter. Criteria: Natera Variant Classification Schema (03/2026). Collection method: clinical testing. Allele origin: germline.
Comment: The c.3037_3039delGTG variant in CPS1 is an in-frame deletion predicted to remove valine at amino acid 1013 while preserving the reading frame. This variant is rare in the general population with a frequency below the threshold expected for the associated phenotype(s). This variant has been observed in one or more individuals affected with the associated recessive disease, as either homozygous or compound heterozygous with a second variant (PMID: 22575620). This variant is observed in a repetitive region. Computational prediction algorithms indicate this variant is likely to affect gene or protein function. Given the available evidence, this variant is classified as Likely Pathogenic.

Women's Health and Genetics/Laboratory Corporation of America, LabCorp
Classification: Pathogenic for Congenital hyperammonemia, type I. Last evaluated: 2024-10-24. Review status: criteria provided, single submitter. Criteria: LabCorp Variant Classification Summary - May 2015. Collection method: clinical testing. Allele origin: germline.
Comment: Variant summary: CPS1 c.3037_3039delGTG (p.Val1013del) results in an in-frame deletion that is predicted to remove one amino acid from the encoded protein. The variant was absent in 251346 control chromosomes. c.3037_3039delGTG has been reported in the literature in multiple individuals affected with Carbamoylphosphate Synthetase I Deficiency (example: Hu_2014). These data indicate that the variant is very likely to be associated with disease. At least one publication reports experimental evidence evaluating an impact on protein function. The most pronounced variant effect results in <10% of normal activity (Hu_2014). The following publication has been ascertained in the context of this evaluation (PMID: 25410056). ClinVar contains an entry for this variant (Variation ID: 162525). Based on the evidence outlined above, the variant was classified as pathogenic.

Labcorp Genetics (formerly Invitae), Labcorp
Classification: Pathogenic for Congenital hyperammonemia, type I. Last evaluated: 2019-12-21. Review status: criteria provided, single submitter. Criteria: Invitae Variant Classification Sherloc (09022015). Collection method: clinical testing. Allele origin: germline.
Comment: This variant, c.3037_3039del, results in the deletion of 1 amino acid(s) of the CPS1 protein (p.Val1013del), but otherwise preserves the integrity of the reading frame. For these reasons, this variant has been classified as Pathogenic. This variant has been reported to affect CPS1 protein function (PMID: 25410056). This variant has been observed in individual(s) with carbamoyl phosphate synthetase I deficiency (PMID: 25410056, 12655559, 22575620). This variant is also known as c.3036_3038delGGT in the literature. ClinVar contains an entry for this variant (Variation ID: 162525). This variant is not present in population databases (ExAC no frequency).

OMIM
Classification: Pathogenic for CARBAMOYL PHOSPHATE SYNTHETASE I DEFICIENCY. Last evaluated: 2014-12-01. Review status: no assertion criteria provided. Collection method: literature only. Allele origin: germline. Not counted in ClinVar's aggregate classification.

Literature cited by the submitters: PubMed 22575620 (cited by Natera, Inc. and Labcorp Genetics (formerly Invitae), Labcorp); PubMed 25410056 (cited by 3 submitters); PubMed 12655559 (cited by Labcorp Genetics (formerly Invitae), Labcorp); Hamosh, A. Personal Communication. 2015. Baltimore, Md. (cited by OMIM).